The following is an entry in ClinVar:

NM_000238.4(KCNH2):c.2146-10C>A

Gene: KCNH2 (potassium voltage-gated channel subfamily H member 2; minus strand). Cytogenetic location: 7q36.1.
Variant type: single nucleotide variant.
Coding change: c.2146-10C>A on transcript NM_000238.4 (MANE Select); 10 bases into the intron before coding-DNA position 2146, C replaced by A.
Molecular consequence: intron variant.
Genome position (GRCh38, 1-based): chr7:150,950,430, G>T on the plus strand (C>A on the coding strand, the complement: KCNH2 is on the minus strand). VCF-style: chr7-150950430-G-T. GRCh37 (hg19) VCF-style: chr7-150647518-G-T.
Other names: c.1858-10C>A (NM_001406753.1, NM_001406756.1); c.1126-10C>A (NM_172057.3, NM_001204798.2); c.2146-10C>A (NM_172056.3); c.1969-10C>A (NM_001406755.1); c.1846-10C>A (NM_001406757.1).
Identifiers: ClinVar variation 3386896 (VCV003386896.3).

ClinVar aggregate classification (germline): Likely benign. Review status: criteria provided, multiple submitters, no conflicts (2 of 4 stars). 2 submissions from 2 submitters: Likely benign (2). Last evaluated 2024-07-29.

Conditions:
Long QT syndrome (LQTS). Identifiers: MedGen C0023976, MeSH D008133, MONDO:0002442. Disease mechanism: loss of function. Inheritance: Various modes of inheritance.

Submissions (2):

All of Us Research Program, National Institutes of Health
Classification: Likely benign for Long QT syndrome. Last evaluated: 2024-07-29. Review status: criteria provided, single submitter. Criteria: ACMG Guidelines, 2015. Collection method: clinical testing. Allele origin: germline. Inheritance: Autosomal dominant inheritance. Observed: 1 variant allele, 1 heterozygote.
Comment: This study involves interpretation of variants in research participants for the purpose of population health screening. Participant phenotype was not available at the time of variant classification. Additional details can be found in publication PMID: 35346344, PMCID: PMC8962531

Labcorp Genetics (formerly Invitae), Labcorp
Classification: Likely benign for Long QT syndrome. Last evaluated: 2024-02-15. Review status: criteria provided, single submitter. Criteria: Invitae Variant Classification Sherloc (09022015). Collection method: clinical testing. Allele origin: germline.